The following is an entry in ClinVar:

NM_000554.6(CRX):c.625G>A (p.Gly209Arg)

Gene: CRX (cone-rod homeobox; plus strand). Cytogenetic location: 19q13.33.
Variant type: single nucleotide variant.
Coding change: c.625G>A on transcript NM_000554.6 (MANE Select); coding-DNA position 625, G replaced by A.
Protein change: p.Gly209Arg; replaces glycine 209 with arginine.
Molecular consequence: missense variant.
Genome position (GRCh38, 1-based): chr19:47,839,692, G>A. VCF-style: chr19-47839692-G-A. GRCh37 (hg19) VCF-style: chr19-48342949-G-A.
Other names: short protein forms G209R.
Identifiers: ClinVar variation 4789030 (VCV004789030.1).

ClinVar aggregate classification (germline): Uncertain significance (1 of 4 stars; one submission).

Conditions:
Leber congenital amaurosis 7 (LCA7). Identifiers: Orphanet 65, MedGen C3151192, MONDO:0013449, OMIM 613829.
Cone-rod dystrophy 2 (CORD2). Also called: CONE-ROD RETINAL DYSTROPHY; Cone-rod retinal dystrophy 2. Identifiers: Orphanet 1872, MedGen C3489532, MONDO:0007362, OMIM 120970.

gnomAD v4.1: 4 of 1,613,860 alleles (0.00025%); highest among the groups gnomAD compares: South Asian, 0.0011%; no homozygotes.

Submission:

Labcorp Genetics (formerly Invitae), Labcorp
Classification: Uncertain significance for Cone-rod dystrophy 2; Leber congenital amaurosis 7. Last evaluated: 2025-05-07. Review status: criteria provided, single submitter. Criteria: Invitae Variant Classification Sherloc (09022015). Collection method: clinical testing. Allele origin: germline.
Comment: This sequence change replaces glycine, which is neutral and non-polar, with arginine, which is basic and polar, at codon 209 of the CRX protein (p.Gly209Arg). This variant is not present in population databases (gnomAD no frequency). This variant has not been reported in the literature in individuals affected with CRX-related conditions. Invitae Evidence Modeling of protein sequence and biophysical properties (such as structural, functional, and spatial information, amino acid conservation, physicochemical variation, residue mobility, and thermodynamic stability) indicates that this missense variant is not expected to disrupt CRX protein function with a negative predictive value of 95%. In summary, the available evidence is currently insufficient to determine the role of this variant in disease. Therefore, it has been classified as a Variant of Uncertain Significance.